The following is an entry in ClinVar:

ClinVar aggregate classification (germline): Uncertain significance (1 of 4 stars; one submission).

Allele frequency attached by ClinVar (database versions not stated): TOPMed 0.00001; gnomAD 0.00002.
gnomAD v4.1: 30 of 1,614,082 alleles (0.0019%); highest among the groups gnomAD compares: Non-Finnish European, 0.0025%; no homozygotes.

Submission:

Labcorp Genetics (formerly Invitae), Labcorp
Classification: Uncertain significance. Last evaluated: 2024-11-06. Review status: criteria provided, single submitter. Criteria: Invitae Variant Classification Sherloc (09022015). Collection method: clinical testing. Allele origin: germline.
Comment: This sequence change replaces alanine, which is neutral and non-polar, with threonine, which is neutral and polar, at codon 74 of the LZTS1 protein (p.Ala74Thr). This variant is present in population databases (no rsID available, gnomAD 0.003%). This variant has not been reported in the literature in individuals affected with LZTS1-related conditions. ClinVar contains an entry for this variant (Variation ID: 2052000). Invitae Evidence Modeling of protein sequence and biophysical properties (such as structural, functional, and spatial information, amino acid conservation, physicochemical variation, residue mobility, and thermodynamic stability) indicates that this missense variant is not expected to disrupt LZTS1 protein function with a negative predictive value of 80%. In summary, the available evidence is currently insufficient to determine the role of this variant in disease. Therefore, it has been classified as a Variant of Uncertain Significance.

NM_021020.5(LZTS1):c.220G>A (p.Ala74Thr)

Gene: LZTS1 (leucine zipper tumor suppressor 1; minus strand). Cytogenetic location: 8p21.3.
Variant type: single nucleotide variant.
Coding change: c.220G>A on transcript NM_021020.5 (MANE Select); coding-DNA position 220, G replaced by A.
Protein change: p.Ala74Thr; replaces alanine 74 with threonine.
Molecular consequence: missense variant.
Genome position (GRCh38, 1-based): chr8:20,254,962, C>T on the plus strand (G>A on the coding strand, the complement: LZTS1 is on the minus strand). VCF-style: chr8-20254962-C-T. GRCh37 (hg19) VCF-style: chr8-20112473-C-T.
Other names: c.220G>A, p.Ala74Thr (NM_001362884.2); short protein forms A74T.
Identifiers: ClinVar variation 2052000 (VCV002052000.4), dbSNP rs1207003922, ClinGen allele CA370478730.
Genomic context (GRCh38, chr8:20,254,962, plus strand): 5'-CCTGGCCCCCTAAATCCCCGCTGGACAGTGCCGTGTAATCTGGGTGATGGGAGCCCCGGG[C>T]TTTCTGGCTGACCTTGATGTAGAAGAAGTCTTCGCTCTTGCCCATTTTGGAGCTGGACTT-3'
Protein context (NP_066300.1, residues 64-84): DFFYIKVSQK[Ala74Thr]RGSHHPDYTA